The following is an entry in ClinVar:

NM_201384.3(PLEC):c.4044+4C>T

Gene: PLEC (plectin; minus strand). Cytogenetic location: 8q24.3.
Variant type: single nucleotide variant.
Coding change: c.4044+4C>T on transcript NM_201384.3 (MANE Select); 4 bases into the intron after coding-DNA position 4044, C replaced by T.
Molecular consequence: intron variant.
Genome position (GRCh38, 1-based): chr8:143,926,780, G>A on the plus strand (C>T on the coding strand, the complement: PLEC is on the minus strand). VCF-style: chr8-143926780-G-A. GRCh37 (hg19) VCF-style: chr8-145000948-G-A.
Other names: c.4125+4C>T (NM_001410941.1, NM_000445.5); c.4002+4C>T (NM_201378.4); c.3978+4C>T (NM_201379.3); c.4455+4C>T (NM_201380.4); c.3948+4C>T (NM_201381.3); c.4044+4C>T (NM_201382.4); c.4056+4C>T (NM_201383.3).
Identifiers: ClinVar variation 3755949 (VCV003755949.2).

ClinVar aggregate classification (germline): Uncertain significance (1 of 4 stars; one submission).

Conditions:
Epidermolysis bullosa simplex with nail dystrophy (EBS5D). Identifiers: MedGen C4225309, MONDO:0014661, OMIM 616487.
Epidermolysis bullosa simplex, Ogna type (EBS5A). Also called: Pidermolysis bullosa simplex 5A, Ogna type; EPIDERMOLYSIS BULLOSA SIMPLEX 5A, OGNA TYPE. Identifiers: Orphanet 79401, MedGen C0432317, MONDO:0007555, OMIM 131950.
Autosomal recessive limb-girdle muscular dystrophy type 2Q (LGMDR17). Also called: MUSCULAR DYSTROPHY, LIMB-GIRDLE, AUTOSOMAL RECESSIVE 17. Identifiers: Orphanet 254361, MedGen C3150989, MONDO:0013390, OMIM 613723.
Epidermolysis bullosa simplex 5B, with muscular dystrophy (EBS5B). Also called: EPIDERMOLYSIS BULLOSA SIMPLEX AND LIMB-GIRDLE MUSCULAR DYSTROPHY; Epidermolysis bullosa simplex with muscular dystrophy. Identifiers: Orphanet 257, MedGen C2931072, MONDO:0009181, OMIM 226670.
Epidermolysis bullosa simplex 5C, with pyloric atresia (EBS5C). Also called: PLEC-Related Epidermolysis Bullosa with Pyloric Atresia; Epidermolysis bullosa simplex with pyloric atresia; PLEC1-Related Epidermolysis Bullosa with Pyloric Atresia. Identifiers: Orphanet 158684, MedGen C2677349, MONDO:0012807, OMIM 612138.

gnomAD v4.1: 6 of 1,610,924 alleles (0.00037%); highest among the groups gnomAD compares: African/African-American, 0.0013%; no homozygotes.

Submission:

Labcorp Genetics (formerly Invitae), Labcorp
Classification: Uncertain significance for Autosomal recessive limb-girdle muscular dystrophy type 2Q; Epidermolysis bullosa simplex, Ogna type; Epidermolysis bullosa simplex with nail dystrophy; Epidermolysis bullosa simplex 5C, with pyloric atresia; Epidermolysis bullosa simplex 5B, with muscular dystrophy. Last evaluated: 2025-01-12. Review status: criteria provided, single submitter. Criteria: Invitae Variant Classification Sherloc (09022015). Collection method: clinical testing. Allele origin: germline.
Comment: This sequence change falls in intron 31 of the PLEC gene. It does not directly change the encoded amino acid sequence of the PLEC protein. It affects a nucleotide within the consensus splice site. This variant is present in population databases (no rsID available, gnomAD 0.004%). This variant has not been reported in the literature in individuals affected with PLEC-related conditions. Variants that disrupt the consensus splice site are a relatively common cause of aberrant splicing (PMID: 17576681, 9536098). Algorithms developed to predict the effect of sequence changes on RNA splicing suggest that this variant is not likely to affect RNA splicing. In summary, the available evidence is currently insufficient to determine the role of this variant in disease. Therefore, it has been classified as a Variant of Uncertain Significance.

Literature cited by the submitters: PubMed 17576681; PubMed 9536098.